The following is an entry in ClinVar:

ClinVar aggregate classification (germline): Benign. Review status: criteria provided, single submitter (1 of 4 stars). 2 submissions from 2 submitters: Benign (1). 1 of the submissions does not count toward it. Last evaluated 2024-02-01.

Conditions:
KCNQ1-related disorder. Also called: KCNQ1-related condition; KCNQ1-related disorders. Identifiers: MedGen CN239322.

Allele frequency attached by ClinVar (database versions not stated): gnomAD exomes 0.00022; 1000 Genomes Project 30x 0.00078; 1000 Genomes Project 0.00080; gnomAD 0.00131; TOPMed 0.00172.
gnomAD v4.1: 259 of 398,766 alleles (0.065%); highest among the groups gnomAD compares: African/African-American, 0.47%; 1 homozygote.

Submissions (2):

CeGaT Center for Human Genetics Tuebingen
Classification: Benign. Last evaluated: 2024-02-01. Review status: criteria provided, single submitter. Criteria: CeGaT Center For Human Genetics Tuebingen Variant Classification Criteria Version 2. Collection method: clinical testing. Allele origin: germline. Affected: yes. Observed: 1 variant allele.
Comment: KCNQ1OT1: BS1, BS2

PreventionGenetics, part of Exact Sciences
Classification: Likely benign for KCNQ1-related condition. Last evaluated: 2019-06-18. Review status: no assertion criteria provided. Collection method: clinical testing. Allele origin: germline. Not counted in ClinVar's aggregate classification.
Comment: This variant is classified as likely benign based on ACMG/AMP sequence variant interpretation guidelines (Richards et al. 2015 PMID: 25741868, with internal and published modifications).

NM_000218.3(KCNQ1):c.1514+23871G>C

Genes: KCNQ1 (potassium voltage-gated channel subfamily Q member 1; plus strand), KCNQ1OT1 (KCNQ1 opposite strand/antisense transcript 1; minus strand). Cytogenetic location: 11p15.5.
Variant type: single nucleotide variant.
Coding change: c.1514+23871G>C on transcript NM_000218.3 (MANE Select); 23871 bases into the intron after coding-DNA position 1514, G replaced by C.
Molecular consequence: intron variant. On other transcripts: non-coding transcript variant (1).
Genome position (GRCh38, 1-based): chr11:2,685,952, G>C. VCF-style: chr11-2685952-G-C. GRCh37 (hg19) VCF-style: chr11-2707182-G-C.
Other names: c.1244+23871G>C (NM_001406837.1); c.1418+23871G>C (NM_001406836.1); c.974+23871G>C (NM_001406838.1); c.1133+23871G>C (NM_181798.2); c.1514+23871G>C (NM_000218.2).
Identifiers: ClinVar variation 3026353 (VCV003026353.23), dbSNP rs535649270, ClinGen allele CA216188575.
Genomic context (GRCh38, chr11:2,685,952, plus strand): 5'-CTTGTTCTCCACGGATGAGCCTGACCAAGTTCTGGGCCCACTCTCCCATCCTCCTGCTGG[G>C]TCACACGGATGAGGCCTGTACACTCTGGGCCTCAGACTCCACACCAAGAAGAGTCAGGGG-3'